The following is an entry in ClinVar:

ClinVar aggregate classification (germline): Pathogenic (1 of 4 stars; one submission).

Conditions:
Marfan syndrome (MFS). Also called: FBN1-Related Marfan Syndrome; MARFAN SYNDROME, TYPE I; Marfan syndrome type 1; Marfan's syndrome; Marfan syndrome, classic. Identifiers: Orphanet 284963, Orphanet 558, MedGen C0024796, MONDO:0007947, OMIM 154700.

Submission:

Molecular Genetics Laboratory, Motol Hospital
Classification: Pathogenic for Marfan syndrome. Last evaluated: 2026-06-11. Review status: criteria provided, single submitter. Criteria: ACMG Guidelines, 2015. Collection method: clinical testing. Allele origin: de novo. Inheritance: Sporadic. Affected: yes. Observed: 1 variant allele, 1 heterozygote.
Comment: A rare variant not present in a control non-Finnish European population (gnomAD v4.1.1). The missense variant is located in the mutation hotspot of the exon 44 (PM1). Rare missense variants in the FBN1 gene are a common cause of autosomal dominant Marfan syndrome (PP2, PP3). Different amino acid change c.5345G>A p.Cys1782Tyr is a known pathogenic variant (PM5). The variant is classified as pathogenic.

Literature cited by the submitters: PubMed 34475413; NCBI Bookshelf 1335; PubMed 12203987.

NM_000138.5(FBN1):c.5344T>G (p.Cys1782Gly)

Gene: FBN1 (fibrillin 1; minus strand). Cytogenetic location: 15q21.1.
Variant type: single nucleotide variant.
Coding change: c.5344T>G on transcript NM_000138.5 (MANE Select); coding-DNA position 5344, T replaced by G.
Protein change: p.Cys1782Gly; replaces cysteine 1782 with glycine.
Molecular consequence: missense variant.
Genome position (GRCh38, 1-based): chr15:48,456,715, A>C on the plus strand (T>G on the coding strand, the complement: FBN1 is on the minus strand). VCF-style: chr15-48456715-A-C. GRCh37 (hg19) VCF-style: chr15-48748912-A-C.
Other names: c.5344T>G, p.Cys1782Gly (NM_001406716.1); short protein forms C1782G.
Identifiers: ClinVar variation 4857235 (VCV004857235.1).